The following is an entry in ClinVar:

NM_001374828.1(ARID1B):c.898G>A (p.Val300Met)

Genes: ARID1B (AT-rich interaction domain 1B; plus strand), LOC129997525 (ATAC-STARR-seq lymphoblastoid silent region 17712; plus strand). Cytogenetic location: 6q25.3.
Variant type: single nucleotide variant.
Coding change: c.898G>A on transcript NM_001374828.1 (MANE Select); coding-DNA position 898, G replaced by A.
Protein change: p.Val300Met; replaces valine 300 with methionine.
Molecular consequence: missense variant.
Genome position (GRCh38, 1-based): chr6:156,778,578, G>A. VCF-style: chr6-156778578-G-A. GRCh37 (hg19) VCF-style: chr6-157099712-G-A.
Other names: c.898G>A, p.Val300Met (NM_001371656.1, NM_001374820.1, NM_001438482.1 and 9 more transcripts); short protein forms V300M.
Identifiers: ClinVar variation 4742857 (VCV004742857.1).

ClinVar aggregate classification (germline): Uncertain significance (1 of 4 stars; one submission).

gnomAD v4.1: 218 of 1,255,406 alleles (0.017%); highest among the groups gnomAD compares: Non-Finnish European, 0.021%; no homozygotes.

Submission:

Labcorp Genetics (formerly Invitae), Labcorp
Classification: Uncertain significance. Last evaluated: 2025-04-17. Review status: criteria provided, single submitter. Criteria: Invitae Variant Classification Sherloc (09022015). Collection method: clinical testing. Allele origin: germline.
Comment: This sequence change replaces valine, which is neutral and non-polar, with methionine, which is neutral and non-polar, at codon 217 of the ARID1B protein (p.Val217Met). The frequency data for this variant in the population databases is considered unreliable, as metrics indicate insufficient coverage at this position in the gnomAD database. This variant has not been reported in the literature in individuals affected with ARID1B-related conditions. Invitae Evidence Modeling of protein sequence and biophysical properties (such as structural, functional, and spatial information, amino acid conservation, physicochemical variation, residue mobility, and thermodynamic stability) indicates that this missense variant is not expected to disrupt ARID1B protein function with a negative predictive value of 95%. In summary, the available evidence is currently insufficient to determine the role of this variant in disease. Therefore, it has been classified as a Variant of Uncertain Significance.